The following is an entry in ClinVar:

NM_001733.7(C1R):c.1977A>G (p.Ala659=)

Gene: C1R (complement C1r; minus strand). Cytogenetic location: 12p13.31.
Variant type: single nucleotide variant.
Coding change: c.1977A>G on transcript NM_001733.7 (MANE Select); coding-DNA position 1977, A replaced by G.
Protein change: p.Ala659=; no amino-acid change (alanine 659 retained).
Molecular consequence: synonymous variant.
Genome position (GRCh38, 1-based): chr12:7,080,673, T>C on the plus strand (A>G on the coding strand, the complement: C1R is on the minus strand). VCF-style: chr12-7080673-T-C. GRCh37 (hg19) VCF-style: chr12-7187977-T-C.
Other names: c.2019A>G, p.Ala673= (NM_001354346.2).
Identifiers: ClinVar variation 510545 (VCV000510545.1), dbSNP rs373463444, ClinGen allele CA6423929.

ClinVar aggregate classification (germline): Likely benign (1 of 4 stars; one submission).

Allele frequency attached by ClinVar (database versions not stated): TOPMed 0.00002; ESP Exome Variant Server 0.00008; gnomAD exomes 0.00001; gnomAD 0.00006 and 0.00003; ExAC 0.00001.
gnomAD v4.1: 17 of 1,613,786 alleles (0.0011%); highest among the groups gnomAD compares: Admixed American, 0.0083%; no homozygotes.

Submission:

GeneDx
Classification: Likely benign. Last evaluated: 2017-07-07. Review status: criteria provided, single submitter. Criteria: GeneDx Variant Classification (06012015). Collection method: clinical testing. Allele origin: germline. Affected: yes.
Comment: This variant is considered likely benign or benign based on one or more of the following criteria: it is a conservative change, it occurs at a poorly conserved position in the protein, it is predicted to be benign by multiple in silico algorithms, and/or has population frequency not consistent with disease.